The following is an entry in ClinVar:

ClinVar aggregate classification (germline): Uncertain significance. Review status: criteria provided, multiple submitters, no conflicts (2 of 4 stars). 3 submissions from 3 submitters: Uncertain significance (3). Last evaluated 2026-08-19.

Conditions:
RYR1-related disorder. Also called: RYR1-related condition; RYR1-related disorders. Identifiers: MedGen CN239331.

Allele frequency attached by ClinVar (database versions not stated): ExAC 0.00001; gnomAD exomes 0.00004 and 0.00001; TOPMed 0.00012; gnomAD 0.00014 and 0.00015.

Submissions (3):

GeneDx
Classification: Uncertain significance. Last evaluated: 2026-08-19. Review status: criteria provided, single submitter. Criteria: GeneDx Variant Classification Process June 2021. Collection method: clinical testing. Allele origin: germline.
Comment: Identified via genome sequencing in a hospitalized infant with a suspected genetic disorder, but no other phenotypic information was provided (PMID: 37432431); In silico analysis supports that this missense variant has a deleterious effect on protein structure/function; This variant is associated with the following publications: (PMID: 33767344, 37432431)

Labcorp Genetics (formerly Invitae), Labcorp
Classification: Uncertain significance for RYR1-related disorder. Last evaluated: 2024-04-10. Review status: criteria provided, single submitter. Criteria: Invitae Variant Classification Sherloc (09022015). Collection method: clinical testing. Allele origin: germline.
Comment: This sequence change replaces tyrosine, which is neutral and polar, with cysteine, which is neutral and slightly polar, at codon 102 of the RYR1 protein (p.Tyr102Cys). This variant is present in population databases (rs760138384, gnomAD 0.02%). This missense change has been observed in individual(s) with RYR1-related conditions (Invitae). ClinVar contains an entry for this variant (Variation ID: 569191). Advanced modeling of protein sequence and biophysical properties (such as structural, functional, and spatial information, amino acid conservation, physicochemical variation, residue mobility, and thermodynamic stability) has been performed at Invitae for this missense variant, however the output from this modeling did not meet the statistical confidence thresholds required to predict the impact of this variant on RYR1 protein function. In summary, the available evidence is currently insufficient to determine the role of this variant in disease. Therefore, it has been classified as a Variant of Uncertain Significance.

Athena Diagnostics
Classification: Uncertain significance. Last evaluated: 2021-06-18. Review status: criteria provided, single submitter. Criteria: Athena Diagnostics Criteria. Collection method: clinical testing. Allele origin: unknown.
Comment: This observation is not an independent occurrence and has been identified in the same individual by RCIGM, the other laboratory participating in the GEMINI study.

NM_000540.3(RYR1):c.305A>G (p.Tyr102Cys)

Gene: RYR1 (ryanodine receptor 1; plus strand). Cytogenetic location: 19q13.2.
Variant type: single nucleotide variant.
Coding change: c.305A>G on transcript NM_000540.3 (MANE Select); coding-DNA position 305, A replaced by G.
Protein change: p.Tyr102Cys; replaces tyrosine 102 with cysteine.
Molecular consequence: missense variant.
Genome position (GRCh38, 1-based): chr19:38,443,592, A>G. VCF-style: chr19-38443592-A-G. GRCh37 (hg19) VCF-style: chr19-38934232-A-G.
Other names: c.305A>G, p.Tyr102Cys (NM_001042723.2); short protein forms Y102C.
Identifiers: ClinVar variation 569191 (VCV000569191.13), dbSNP rs760138384, ClinGen allele CA064364.